The following is an entry in ClinVar:

NM_001349884.2(DRAM2):c.632C>G (p.Ala211Gly)

Gene: DRAM2 (DNA damage regulated autophagy modulator 2; minus strand). Cytogenetic location: 1p13.3.
Variant type: single nucleotide variant.
Coding change: c.632C>G on transcript NM_001349884.2 (MANE Select); coding-DNA position 632, C replaced by G.
Protein change: p.Ala211Gly; replaces alanine 211 with glycine.
Molecular consequence: missense variant. On other transcripts: non-coding transcript variant (8).
Genome position (GRCh38, 1-based): chr1:111,118,866, G>C on the plus strand (C>G on the coding strand, the complement: DRAM2 is on the minus strand). VCF-style: chr1-111118866-G-C. GRCh37 (hg19) VCF-style: chr1-111661488-G-C.
Other names: c.632C>G, p.Ala211Gly (NM_001349881.2, NM_001349882.2, NM_001349885.2 and 1 more transcripts); c.362C>G, p.Ala121Gly (NM_001349886.2, NM_001349887.2, NM_001349888.2); c.242C>G, p.Ala81Gly (NM_001349889.2, NM_001349890.2, NM_001349891.2 and 2 more transcripts); short protein forms A211G, A121G, A81G.
Identifiers: ClinVar variation 843734 (VCV000843734.9), dbSNP rs144679690, ClinGen allele CA1001770.

ClinVar aggregate classification (germline): Conflicting classifications of pathogenicity. Review status: criteria provided, conflicting classifications (1 of 4 stars). 4 submissions from 4 submitters: Uncertain significance (3); Likely benign (1). Last evaluated 2025-01-20.

Conditions:
Inborn genetic diseases. Identifiers: MedGen C0950123, MeSH D030342.

Allele frequency attached by ClinVar (database versions not stated): ESP Exome Variant Server 0.00015; TOPMed 0.00016; gnomAD 0.00021 and 0.00023; ExAC 0.00022; gnomAD exomes 0.00028 and 0.00040.
gnomAD v4.1: 616 of 1,609,710 alleles (0.038%); highest among the groups gnomAD compares: Non-Finnish European, 0.048%; no homozygotes.

Submissions (4):

Labcorp Genetics (formerly Invitae), Labcorp
Classification: Uncertain significance. Last evaluated: 2025-01-20. Review status: criteria provided, single submitter. Criteria: Invitae Variant Classification Sherloc (09022015). Collection method: clinical testing. Allele origin: germline.
Comment: This sequence change replaces alanine, which is neutral and non-polar, with glycine, which is neutral and non-polar, at codon 211 of the DRAM2 protein (p.Ala211Gly). This variant is present in population databases (rs144679690, gnomAD 0.04%). This variant has not been reported in the literature in individuals affected with DRAM2-related conditions. ClinVar contains an entry for this variant (Variation ID: 843734). Invitae Evidence Modeling of protein sequence and biophysical properties (such as structural, functional, and spatial information, amino acid conservation, physicochemical variation, residue mobility, and thermodynamic stability) indicates that this missense variant is not expected to disrupt DRAM2 protein function with a negative predictive value of 80%. In summary, the available evidence is currently insufficient to determine the role of this variant in disease. Therefore, it has been classified as a Variant of Uncertain Significance.

Blueprint Genetics
Classification: Likely benign. Last evaluated: 2024-09-14. Review status: criteria provided, single submitter. Criteria: ACMG Guidelines, 2015. Collection method: clinical testing. Allele origin: germline.

Ambry Genetics
Classification: Uncertain significance for Inborn genetic diseases. Last evaluated: 2024-05-30. Review status: criteria provided, single submitter. Criteria: Ambry Variant Classification Scheme 2023. Collection method: clinical testing. Allele origin: germline.

Breakthrough Genomics
Classification: Uncertain significance. Review status: criteria provided, single submitter. Criteria: ACMG Guidelines, 2015. Collection method: not provided. Allele origin: germline. Inheritance: Autosomal recessive inheritance. Affected: yes.